The following is an entry in ClinVar:

ClinVar aggregate classification (germline): Uncertain significance. Review status: criteria provided, multiple submitters, no conflicts (2 of 4 stars). 4 submissions from 4 submitters: Uncertain significance (4). Last evaluated 2025-07-30.

Conditions:
Hereditary cancer-predisposing syndrome. Also called: Tumor predisposition; Hereditary Cancer Syndrome; Hereditary neoplastic syndrome; Neoplastic Syndromes, Hereditary. Identifiers: Orphanet 140162, MedGen C0027672, MeSH D009386, MONDO:0015356.
Hereditary diffuse gastric adenocarcinoma (HDGC). Also called: DIFFUSE GASTRIC AND LOBULAR BREAST CANCER SYNDROME. Identifiers: Orphanet 26106, MedGen C1708349, MONDO:0007648, OMIM 137215.

Allele frequency attached by ClinVar (database versions not stated): gnomAD exomes below 0.00001; TOPMed below 0.00001.
gnomAD v4.1: 1 of 1,610,474 alleles (0.000062%); highest among the groups gnomAD compares: Non-Finnish European, 0.000085%; no homozygotes.

Submissions (4):

Labcorp Genetics (formerly Invitae), Labcorp
Classification: Uncertain significance for Hereditary diffuse gastric adenocarcinoma. Last evaluated: 2025-07-30. Review status: criteria provided, single submitter. Criteria: Invitae Variant Classification Sherloc (09022015). Collection method: clinical testing. Allele origin: germline.
Comment: This sequence change replaces leucine, which is neutral and non-polar, with isoleucine, which is neutral and non-polar, at codon 718 of the CDH1 protein (p.Leu718Ile). The frequency data for this variant in the population databases is considered unreliable, as metrics indicate poor data quality at this position in the gnomAD database. This variant has not been reported in the literature in individuals affected with CDH1-related conditions. ClinVar contains an entry for this variant (Variation ID: 234596). An algorithm developed to predict the effect of missense changes on protein structure and function (PolyPhen-2) suggests that this variant is likely to be disruptive. In summary, the available evidence is currently insufficient to determine the role of this variant in disease. Therefore, it has been classified as a Variant of Uncertain Significance.

Ambry Genetics
Classification: Uncertain significance for Hereditary cancer-predisposing syndrome. Last evaluated: 2024-06-07. Review status: criteria provided, single submitter. Criteria: Ambry Variant Classification Scheme 2023. Collection method: clinical testing. Allele origin: germline.
Comment: The p.L718I variant (also known as c.2152C>A), located in coding exon 13 of the CDH1 gene, results from a C to A substitution at nucleotide position 2152. The leucine at codon 718 is replaced by isoleucine, an amino acid with highly similar properties. This amino acid position is highly conserved in available vertebrate species. In addition, this alteration is predicted to be tolerated by in silico analysis. Since supporting evidence is limited at this time, the clinical significance of this alteration remains unclear.

Color Diagnostics, LLC DBA Color Health
Classification: Uncertain significance for Hereditary cancer-predisposing syndrome. Last evaluated: 2023-12-04. Review status: criteria provided, single submitter. Criteria: ACMG Guidelines, 2015. Collection method: clinical testing. Allele origin: germline.
Comment: This missense variant replaces leucine with isoleucine at codon 718 of the CDH1 protein. To our knowledge, functional studies have not been reported for this variant. This variant has not been reported in individuals affected with hereditary cancer in the literature. This variant has been identified in 1/247926 chromosomes in the general population by the Genome Aggregation Database (gnomAD). The available evidence is insufficient to determine the role of this variant in disease conclusively. Therefore, this variant is classified as a Variant of Uncertain Significance.

GeneDx
Classification: Uncertain significance. Last evaluated: 2015-10-29. Review status: criteria provided, single submitter. Criteria: GeneDx Variant Classification (06012015). Collection method: clinical testing. Allele origin: germline. Affected: yes.
Comment: This variant is denoted CDH1 c.2152C>A at the cDNA level, p.Leu718Ile (L718I) at the protein level, and results in the change of a Leucine to an Isoleucine (CTT>ATT). This variant has not, to our knowledge, been published in the literature as pathogenic or benign. CDH1 Leu718Ile was not observed in approximately 6,500 individuals of European and African American ancestry in the NHLBI Exome Sequencing Project, suggesting it is not a common benign variant in these populations. Since Leucine and Isoleucine share similar properties, this is considered a conservative amino acid substitution. CDH1 Leu718Ile occurs at a position that is conserved across species and is located in the transmembrane domain (Brooks-Wilson 2004, Figueiredo 2013). In silico analyses are inconsistent regarding the effect this variant may have on protein structure and function. Based on currently available evidence, it is unclear whether CDH1 Leu718Ile is a pathogenic or benign variant. We consider it to be a variant of uncertain significance.

NM_004360.5(CDH1):c.2152C>A (p.Leu718Ile)

Gene: CDH1 (cadherin 1; plus strand). Cytogenetic location: 16q22.1.
Variant type: single nucleotide variant.
Coding change: c.2152C>A on transcript NM_004360.5 (MANE Select); coding-DNA position 2152, C replaced by A.
Protein change: p.Leu718Ile; replaces leucine 718 with isoleucine.
Molecular consequence: missense variant.
Genome position (GRCh38, 1-based): chr16:68,823,614, C>A. VCF-style: chr16-68823614-C-A. GRCh37 (hg19) VCF-style: chr16-68857517-C-A.
Other names: c.2152C>A (LRG_301t1); c.1969C>A, p.Leu657Ile (NM_001317184.2); c.604C>A, p.Leu202Ile (NM_001317185.2); c.187C>A, p.Leu63Ile (NM_001317186.2); short protein forms L718I, L63I, L202I, L657I.
Identifiers: ClinVar variation 234596 (VCV000234596.16), dbSNP rs876658591, ClinGen allele CA10577551.
Genomic context (GRCh38, chr16:68,823,614, plus strand): 5'-GCACAGCCTGTCGAAGCAGGATTGCAAATTCCTGCCATTCTGGGGATTCTTGGAGGAATT[C>A]TTGCTTTGCTAAGTAAGTCCAGCTGGCAAGTGACTCAGCCTTTGACTTAAAAAAATGGAG-3'
Protein context (NP_004351.1, residues 708-728): PAILGILGGI[Leu718Ile]ALLILILLLL